The following is an entry in ClinVar:

ClinVar aggregate classification (germline): Conflicting classifications of pathogenicity. Review status: criteria provided, conflicting classifications (1 of 4 stars). 3 submissions from 3 submitters: Uncertain significance (2); Likely benign (1). Last evaluated 2025-07-27.

Conditions:
Hereditary cancer-predisposing syndrome. Also called: Hereditary Cancer Syndrome; Neoplastic Syndromes, Hereditary; Tumor predisposition; Hereditary neoplastic syndrome. Identifiers: Orphanet 140162, MedGen C0027672, MeSH D009386, MONDO:0015356.
Multiple endocrine neoplasia type 4. Also called: MULTIPLE ENDOCRINE NEOPLASIA, TYPE IV. Identifiers: Orphanet 276152, MedGen C1970712, MONDO:0012552, OMIM 610755.

Allele frequency attached by ClinVar (database versions not stated): gnomAD exomes 0.00001; ExAC 0.00002.
gnomAD v4.1: 5 of 1,605,890 alleles (0.00031%); highest among the groups gnomAD compares: African/African-American, 0.0013%; no homozygotes.

Submissions (3):

Labcorp Genetics (formerly Invitae), Labcorp
Classification: Uncertain significance for Multiple endocrine neoplasia type 4. Last evaluated: 2025-07-27. Review status: criteria provided, single submitter. Criteria: Invitae Variant Classification Sherloc (09022015). Collection method: clinical testing. Allele origin: germline.
Comment: This sequence change replaces alanine, which is neutral and non-polar, with threonine, which is neutral and polar, at codon 149 of the CDKN1B protein (p.Ala149Thr). This variant is present in population databases (rs771553626, gnomAD 0.002%). This variant has not been reported in the literature in individuals affected with CDKN1B-related conditions. ClinVar contains an entry for this variant (Variation ID: 639806). An algorithm developed to predict the effect of missense changes on protein structure and function outputs the following: PolyPhen-2: "Benign". The threonine amino acid residue is found in multiple mammalian species, which suggests that this missense change does not adversely affect protein function. In summary, the available evidence is currently insufficient to determine the role of this variant in disease. Therefore, it has been classified as a Variant of Uncertain Significance.

Quest Diagnostics Nichols Institute San Juan Capistrano
Classification: Uncertain significance. Last evaluated: 2024-01-03. Review status: criteria provided, single submitter. Criteria: Quest Diagnostics criteria. Collection method: clinical testing. Allele origin: unknown.
Comment: The CDKN1B c.445G>A (p.Ala149Thr) variant has not been reported in individuals with CDKN1B-related conditions in the published literature. The frequency of this variant in the general population, 0.0000083 (2/241888 chromosomes (Genome Aggregation Database)), is uninformative in the assessment of its pathogenicity. Analysis of this variant using bioinformatics tools for the prediction of the effect of amino acid changes on protein structure and function yielded predictions that this variant is benign. Based on the available information, we are unable to determine the clinical significance of this variant.

Ambry Genetics
Classification: Likely benign for Hereditary cancer-predisposing syndrome. Last evaluated: 2022-01-28. Review status: criteria provided, single submitter. Criteria: Ambry Variant Classification Scheme 2023. Collection method: clinical testing. Allele origin: germline.

NM_004064.5(CDKN1B):c.445G>A (p.Ala149Thr)

Gene: CDKN1B (cyclin dependent kinase inhibitor 1B; plus strand). Cytogenetic location: 12p13.1.
Variant type: single nucleotide variant.
Coding change: c.445G>A on transcript NM_004064.5 (MANE Select); coding-DNA position 445, G replaced by A.
Protein change: p.Ala149Thr; replaces alanine 149 with threonine.
Molecular consequence: missense variant.
Genome position (GRCh38, 1-based): chr12:12,718,284, G>A. VCF-style: chr12-12718284-G-A. GRCh37 (hg19) VCF-style: chr12-12871218-G-A.
Other names: short protein forms A149T.
Identifiers: ClinVar variation 639806 (VCV000639806.10), dbSNP rs771553626, ClinGen allele CA6457499.
Genomic context (GRCh38, chr12:12,718,284, plus strand): 5'-CATTTGGTGGACCCAAAGACTGATCCGTCGGACAGCCAGACGGGGTTAGCGGAGCAATGC[G>A]CAGGAATAAGGAAGCGACCTGCAACCGACGGTAATGACCCTTTCCCAACCATAGAATGTG-3'
Protein context (NP_004055.1, residues 139-159): DSQTGLAEQC[Ala149Thr]GIRKRPATDD